The following is an entry in ClinVar:

NM_000260.4(MYO7A):c.1477C>G (p.Gln493Glu)

Gene: MYO7A (myosin VIIA; plus strand). Cytogenetic location: 11q13.5.
Variant type: single nucleotide variant.
Coding change: c.1477C>G on transcript NM_000260.4 (MANE Select); coding-DNA position 1477, C replaced by G.
Protein change: p.Gln493Glu; replaces glutamine 493 with glutamic acid.
Molecular consequence: missense variant.
Genome position (GRCh38, 1-based): chr11:77,162,253, C>G. VCF-style: chr11-77162253-C-G. GRCh37 (hg19) VCF-style: chr11-76873299-C-G.
Other names: c.1477C>G, p.Gln493Glu (NM_001127180.2); c.1444C>G, p.Gln482Glu (NM_001369365.1); c.1477C>G (NM_000260.3); short protein forms Q482E, Q493E.
Identifiers: ClinVar variation 2188742 (VCV002188742.3), dbSNP rs1555069485, ClinGen allele CA381935567.

ClinVar aggregate classification (germline): Uncertain significance. Review status: criteria provided, multiple submitters, no conflicts (2 of 4 stars). 2 submissions from 2 submitters: Uncertain significance (2). Last evaluated 2026-03-24.

Conditions:
MYO7A-related disorder. Also called: MYO7A-related disorders.

Allele frequency attached by ClinVar (database versions not stated): gnomAD 0.00003; TOPMed 0.00003.
gnomAD v4.1: 17 of 1,559,736 alleles (0.0011%); highest among the groups gnomAD compares: Admixed American, 0.027%; no homozygotes.

Submissions (2):

PreventionGenetics, part of Exact Sciences
Classification: Uncertain significance for MYO7A-related condition. Last evaluated: 2026-03-24. Review status: criteria provided, single submitter. Criteria: ACMG Guidelines, 2015. Collection method: clinical testing. Allele origin: germline.
Comment: The MYO7A c.1477C>G variant is predicted to result in the amino acid substitution p.Gln493Glu. To our knowledge, this variant has not been reported in the literature. This variant is reported in 0.024% of alleles in individuals of Latino descent in gnomAD. At this time, the clinical significance of this variant is uncertain due to the absence of conclusive functional and genetic evidence.

Labcorp Genetics (formerly Invitae), Labcorp
Classification: Uncertain significance. Last evaluated: 2024-07-16. Review status: criteria provided, single submitter. Criteria: Invitae Variant Classification Sherloc (09022015). Collection method: clinical testing. Allele origin: germline.
Comment: This sequence change replaces glutamine, which is neutral and polar, with glutamic acid, which is acidic and polar, at codon 493 of the MYO7A protein (p.Gln493Glu). This variant is present in population databases (no rsID available, gnomAD 0.02%). This variant has not been reported in the literature in individuals affected with MYO7A-related conditions. ClinVar contains an entry for this variant (Variation ID: 2188742). Advanced modeling of protein sequence and biophysical properties (such as structural, functional, and spatial information, amino acid conservation, physicochemical variation, residue mobility, and thermodynamic stability) has been performed at Invitae for this missense variant, however the output from this modeling did not meet the statistical confidence thresholds required to predict the impact of this variant on MYO7A protein function. In summary, the available evidence is currently insufficient to determine the role of this variant in disease. Therefore, it has been classified as a Variant of Uncertain Significance.